The following is an entry in ClinVar:

NM_001205293.3(CACNA1E):c.4630A>G (p.Ile1544Val)

Gene: CACNA1E (calcium voltage-gated channel subunit alpha1 E; plus strand). Cytogenetic location: 1q25.3.
Variant type: single nucleotide variant.
Coding change: c.4630A>G on transcript NM_001205293.3 (MANE Select); coding-DNA position 4630, A replaced by G.
Protein change: p.Ile1544Val; replaces isoleucine 1544 with valine.
Molecular consequence: missense variant.
Genome position (GRCh38, 1-based): chr1:181,762,598, A>G. VCF-style: chr1-181762598-A-G. GRCh37 (hg19) VCF-style: chr1-181731734-A-G.
Other names: c.4630A>G, p.Ile1544Val (NM_000721.4); c.4573A>G, p.Ile1525Val (NM_001205294.2); short protein forms I1544V, I1525V.
Identifiers: ClinVar variation 2001894 (VCV002001894.4), dbSNP rs2529032233, ClinGen allele CA343626080.
Genomic context (GRCh38, chr1:181,762,598, plus strand): 5'-TTTTCTGATGTTCCTATGACTGAATTCATTTGGCAGAACTATTTCCGAGACACCTGGAAT[A>G]TCTTTGACTTCATCACCGTGATTGGCAGTATCACAGAAATTATCCTGACAGACAGCAAGG-3'
Protein context (NP_001192222.1, residues 1534-1554): FLNYFRDTWN[Ile1544Val]FDFITVIGSI

ClinVar aggregate classification (germline): Uncertain significance (1 of 4 stars; one submission).

Submission:

Labcorp Genetics (formerly Invitae), Labcorp
Classification: Uncertain significance. Last evaluated: 2024-08-19. Review status: criteria provided, single submitter. Criteria: Invitae Variant Classification Sherloc (09022015). Collection method: clinical testing. Allele origin: germline.
Comment: This sequence change replaces isoleucine, which is neutral and non-polar, with valine, which is neutral and non-polar, at codon 1544 of the CACNA1E protein (p.Ile1544Val). This variant is not present in population databases (gnomAD no frequency). This variant has not been reported in the literature in individuals affected with CACNA1E-related conditions. ClinVar contains an entry for this variant (Variation ID: 2001894). Invitae Evidence Modeling of protein sequence and biophysical properties (such as structural, functional, and spatial information, amino acid conservation, physicochemical variation, residue mobility, and thermodynamic stability) has been performed for this missense variant. However, the output from this modeling did not meet the statistical confidence thresholds required to predict the impact of this variant on CACNA1E protein function. In summary, the available evidence is currently insufficient to determine the role of this variant in disease. Therefore, it has been classified as a Variant of Uncertain Significance.